The following is an entry in ClinVar:

NM_000400.4(ERCC2):c.1202C>G (p.Ala401Gly)

Gene: ERCC2 (ERCC excision repair 2, TFIIH core complex helicase subunit; minus strand). Cytogenetic location: 19q13.32.
Variant type: single nucleotide variant.
Coding change: c.1202C>G on transcript NM_000400.4 (MANE Select); coding-DNA position 1202, C replaced by G.
Protein change: p.Ala401Gly; replaces alanine 401 with glycine.
Molecular consequence: missense variant.
Genome position (GRCh38, 1-based): chr19:45,361,559, G>C on the plus strand (C>G on the coding strand, the complement: ERCC2 is on the minus strand). VCF-style: chr19-45361559-G-C. GRCh37 (hg19) VCF-style: chr19-45864817-G-C.
Other names: c.1130C>G, p.Ala377Gly (NM_001130867.2); short protein forms A377G, A401G.
Identifiers: ClinVar variation 2586781 (VCV002586781.2), dbSNP rs2123274435, ClinGen allele CA406369887.

ClinVar aggregate classification (germline): Uncertain significance (1 of 4 stars; one submission).

Conditions:
Inborn genetic diseases. Identifiers: MedGen C0950123, MeSH D030342.

Submission:

Ambry Genetics
Classification: Uncertain significance for Inborn genetic diseases. Last evaluated: 2023-07-27. Review status: criteria provided, single submitter. Criteria: Ambry Variant Classification Scheme 2023. Collection method: clinical testing. Allele origin: germline.
Comment: The p.A401G variant (also known as c.1202C>G), located in coding exon 12 of the ERCC2 gene, results from a C to G substitution at nucleotide position 1202. The alanine at codon 401 is replaced by glycine, an amino acid with similar properties. This amino acid position is conserved. In addition, the in silico prediction for this alteration is inconclusive. Since supporting evidence is limited at this time, the clinical significance of this alteration remains unclear.